The following is an entry in ClinVar:

NM_002834.5(PTPN11):c.628C>A (p.Leu210Ile)

Gene: PTPN11 (protein tyrosine phosphatase non-receptor type 11; plus strand). Cytogenetic location: 12q24.13.
Variant type: single nucleotide variant.
Coding change: c.628C>A on transcript NM_002834.5 (MANE Select); coding-DNA position 628, C replaced by A.
Protein change: p.Leu210Ile; replaces leucine 210 with isoleucine.
Molecular consequence: missense variant.
Genome position (GRCh38, 1-based): chr12:112,454,666, C>A. VCF-style: chr12-112454666-C-A. GRCh37 (hg19) VCF-style: chr12-112892470-C-A.
Other names: c.628C>A, p.Leu210Ile (NM_001330437.2, NM_080601.3); c.625C>A, p.Leu209Ile (NM_001374625.1); short protein forms L210I, L209I.
Identifiers: ClinVar variation 2855032 (VCV002855032.3), dbSNP rs2135869890, ClinGen allele CA386782513.

ClinVar aggregate classification (germline): Uncertain significance (1 of 4 stars; one submission).

Conditions:
RASopathy. Also called: Noonan spectrum disorder; rasopathies. Identifiers: Orphanet 536391, MedGen C5555857, MONDO:0021060.

Submission:

Labcorp Genetics (formerly Invitae), Labcorp
Classification: Uncertain significance for RASopathy. Last evaluated: 2023-04-13. Review status: criteria provided, single submitter. Criteria: Invitae Variant Classification Sherloc (09022015). Collection method: clinical testing. Allele origin: germline.
Comment: This variant is not present in population databases (gnomAD no frequency). This sequence change replaces leucine, which is neutral and non-polar, with isoleucine, which is neutral and non-polar, at codon 210 of the PTPN11 protein (p.Leu210Ile). This variant has not been reported in the literature in individuals affected with PTPN11-related conditions. Advanced modeling of protein sequence and biophysical properties (such as structural, functional, and spatial information, amino acid conservation, physicochemical variation, residue mobility, and thermodynamic stability) performed at Invitae indicates that this missense variant is not expected to disrupt PTPN11 protein function. In summary, the available evidence is currently insufficient to determine the role of this variant in disease. Therefore, it has been classified as a Variant of Uncertain Significance.